The following is an entry in ClinVar:

ClinVar aggregate classification (germline): Uncertain significance. Review status: criteria provided, multiple submitters, no conflicts (2 of 4 stars). 2 submissions from 2 submitters: Uncertain significance (2). Last evaluated 2025-11-04.

Allele frequency attached by ClinVar (database versions not stated): gnomAD 0.00001; TOPMed 0.00001; gnomAD exomes 0.00002; ExAC 0.00006.
gnomAD v4.1: 34 of 1,613,982 alleles (0.0021%); highest among the groups gnomAD compares: South Asian, 0.025%; no homozygotes.

Submissions (3):

Labcorp Genetics (formerly Invitae), Labcorp
Classification: Uncertain significance. Last evaluated: 2025-11-04. Review status: criteria provided, single submitter. Criteria: Invitae Variant Classification Sherloc (09022015). Collection method: clinical testing. Allele origin: germline.
Comment: This sequence change replaces arginine, which is basic and polar, with glutamine, which is neutral and polar, at codon 1269 of the NPAT protein (p.Arg1269Gln). This variant is present in population databases (rs770784235, gnomAD 0.05%). This variant has not been reported in the literature in individuals affected with NPAT-related conditions. ClinVar contains an entry for this variant (Variation ID: 2496672). An algorithm developed to predict the effect of missense changes on protein structure and function outputs the following: PolyPhen-2: "Benign". The glutamine amino acid residue is found in multiple mammalian species, which suggests that this missense change does not adversely affect protein function. In summary, the available evidence is currently insufficient to determine the role of this variant in disease. Therefore, it has been classified as a Variant of Uncertain Significance.

Ambry Genetics
Classification: Uncertain significance. Last evaluated: 2023-01-01. Review status: criteria provided, single submitter. Criteria: Ambry Variant Classification Scheme 2023. Collection method: clinical testing. Allele origin: germline.
Comment: The p.R1269Q variant (also known as c.3806G>A), located in coding exon 17 of the NPAT gene, results from a G to A substitution at nucleotide position 3806. The arginine at codon 1269 is replaced by glutamine, an amino acid with highly similar properties. This amino acid position is conserved. In addition, this alteration is predicted to be tolerated by in silico analysis. Since supporting evidence is limited at this time, the clinical significance of this alteration remains unclear.

Dr. Peter K. Rogan Lab, Western University
No classification provided (evidence only). Condition: Acute myeloid leukemia. Review status: no classification provided. Collection method: in vitro. Allele origin: not applicable. Functional consequence: retained intron. Not counted in ClinVar's aggregate classification.

NM_002519.3(NPAT):c.3806G>A (p.Arg1269Gln)

Gene: NPAT (nuclear protein, coactivator of histone transcription; minus strand). Cytogenetic location: 11q22.3.
Variant type: single nucleotide variant.
Coding change: c.3806G>A on transcript NM_002519.3 (MANE Select); coding-DNA position 3806, G replaced by A.
Protein change: p.Arg1269Gln; replaces arginine 1269 with glutamine.
Molecular consequence: missense variant.
Genome position (GRCh38, 1-based): chr11:108,161,280, C>T on the plus strand (G>A on the coding strand, the complement: NPAT is on the minus strand). VCF-style: chr11-108161280-C-T. GRCh37 (hg19) VCF-style: chr11-108032007-C-T.
Other names: c.3827G>A, p.Arg1276Gln (NM_001321307.1); short protein forms R1276Q, R1269Q.
Identifiers: ClinVar variation 2496672 (VCV002496672.6), dbSNP rs770784235, ClinGen allele CA6263518.